The following is an entry in ClinVar:

ClinVar aggregate classification (germline): Uncertain significance (1 of 4 stars; one submission).

Conditions:
Alstrom syndrome (ALMS). Identifiers: Orphanet 64, MedGen C0268425, MONDO:0008763, OMIM 203800.

Submission:

Labcorp Genetics (formerly Invitae), Labcorp
Classification: Uncertain significance for Alstrom syndrome. Last evaluated: 2025-12-01. Review status: criteria provided, single submitter. Criteria: Invitae Variant Classification Sherloc (09022015). Collection method: clinical testing. Allele origin: germline.
Comment: This sequence change replaces histidine, which is basic and polar, with proline, which is neutral and non-polar, at codon 4045 of the ALMS1 protein (p.His4045Pro). This variant is not present in population databases (gnomAD no frequency). This variant has not been reported in the literature in individuals affected with ALMS1-related conditions. ClinVar contains an entry for this variant (Variation ID: 842308). Experimental studies and prediction algorithms are not available or were not evaluated, and the functional significance of this variant is currently unknown. In summary, the available evidence is currently insufficient to determine the role of this variant in disease. Therefore, it has been classified as a Variant of Uncertain Significance.

NM_001378454.1(ALMS1):c.12131A>C (p.His4044Pro)

Genes: ALMS1 (ALMS1 centrosome and basal body associated protein; plus strand), LOC126806252 (BRD4-independent group 4 enhancer GRCh37_chr2:73828496-73829695; plus strand). Cytogenetic location: 2p13.1.
Variant type: single nucleotide variant.
Coding change: c.12131A>C on transcript NM_001378454.1 (MANE Select); coding-DNA position 12131, A replaced by C.
Protein change: p.His4044Pro; replaces histidine 4044 with proline.
Molecular consequence: missense variant.
Genome position (GRCh38, 1-based): chr2:73,602,201, A>C. VCF-style: chr2-73602201-A-C. GRCh37 (hg19) VCF-style: chr2-73829328-A-C.
Other names: c.12134A>C, p.His4045Pro (NM_015120.4); short protein forms H4045P, H4044P.
Identifiers: ClinVar variation 842308 (VCV000842308.12), dbSNP rs993631169, ClinGen allele CA347267705.